The following is an entry in ClinVar:

NM_005751.5(AKAP9):c.3638A>G (p.Tyr1213Cys)

Gene: AKAP9 (A-kinase anchoring protein 9; plus strand). Cytogenetic location: 7q21.2.
Variant type: single nucleotide variant.
Coding change: c.3638A>G on transcript NM_005751.5 (MANE Select); coding-DNA position 3638, A replaced by G.
Protein change: p.Tyr1213Cys; replaces tyrosine 1213 with cysteine.
Molecular consequence: missense variant.
Genome position (GRCh38, 1-based): chr7:92,016,154, A>G. VCF-style: chr7-92016154-A-G. GRCh37 (hg19) VCF-style: chr7-91645468-A-G.
Other names: c.3638A>G, p.Tyr1213Cys (NM_147185.3); short protein forms Y1213C.
Identifiers: ClinVar variation 5034178 (VCV005034178.1).
Genomic context (GRCh38, chr7:92,016,154, plus strand): 5'-AAATTCCTTAAAATACACAATTTTGTTGTTAACAGACTTTATGCAGTGTCCTTGGTGAAT[A>G]TTATACTCCTGCTTTAAAATGTGAAGTAAATGCAGAAGACAAAGAGAATTCTGGTGATTA-3'
Protein context (NP_005742.4, residues 1203-1223): LQTLCSVLGE[Tyr1213Cys]YTPALKCEVN

ClinVar aggregate classification (germline): Uncertain significance (1 of 4 stars; one submission).

Conditions:
Cardiovascular phenotype. Identifiers: MedGen CN230736.

Submission:

Ambry Genetics
Classification: Uncertain significance for Cardiovascular phenotype. Last evaluated: 2026-08-24. Review status: criteria provided, single submitter. Criteria: Ambry Variant Classification Scheme 2023. Collection method: clinical testing. Allele origin: germline.
Comment: The p.Y1213C variant (also known as c.3638A>G), located in coding exon 11 of the AKAP9 gene, results from an A to G substitution at nucleotide position 3638. The tyrosine at codon 1213 is replaced by cysteine, an amino acid with highly dissimilar properties. This amino acid position is conserved. In addition, this alteration is predicted to be tolerated by in silico analysis. Based on the available evidence, the clinical significance of this variant remains unclear.